The following is an entry in ClinVar:

NM_001042750.2(STAG2):c.2206T>C (p.Cys736Arg)

Gene: STAG2 (STAG2 cohesin complex component; plus strand). Cytogenetic location: Xq25.
Variant type: single nucleotide variant.
Coding change: c.2206T>C on transcript NM_001042750.2 (MANE Select); coding-DNA position 2206, T replaced by C.
Protein change: p.Cys736Arg; replaces cysteine 736 with arginine.
Molecular consequence: missense variant.
Genome position (GRCh38, 1-based): chrX:124,066,377, T>C. VCF-style: chrX-124066377-T-C. GRCh37 (hg19) VCF-style: chrX-123200227-T-C.
Other names: c.2206T>C, p.Cys736Arg (NM_001042749.2, NM_001042751.2, NM_001282418.2 and 13 more transcripts); short protein forms C736R.
Identifiers: ClinVar variation 2505731 (VCV002505731.1), dbSNP rs2521911073, ClinGen allele CA414274615.

ClinVar aggregate classification (germline): Uncertain significance (1 of 4 stars; one submission).

Submission:

GeneDx
Classification: Uncertain significance. Last evaluated: 2022-12-14. Review status: criteria provided, single submitter. Criteria: GeneDx Variant Classification Process June 2021. Collection method: clinical testing. Allele origin: germline. Affected: yes.
Comment: Not observed at significant frequency in large population cohorts (gnomAD); In silico analysis supports that this missense variant has a deleterious effect on protein structure/function; Has not been previously published as pathogenic or benign to our knowledge